The following is an entry in ClinVar:

ClinVar aggregate classification (germline): Likely benign. Review status: criteria provided, multiple submitters, no conflicts (2 of 4 stars). 4 submissions from 4 submitters: Likely benign (4). Last evaluated 2026-04-01.

Allele frequency attached by ClinVar (database versions not stated): gnomAD exomes 0.00005 and 0.00009; ExAC 0.00013; 1000 Genomes Project 30x 0.00016; TOPMed 0.00043; gnomAD 0.00048 and 0.00051; ESP Exome Variant Server 0.00069.
gnomAD v4.1: 144 of 1,613,934 alleles (0.0089%); highest among the groups gnomAD compares: African/African-American, 0.17%; 1 homozygote.

Submissions (4):

CeGaT Center for Human Genetics Tuebingen
Classification: Likely benign. Last evaluated: 2026-04-01. Review status: criteria provided, single submitter. Criteria: CeGaT Center For Human Genetics Tuebingen Variant Classification Criteria Version 2. Collection method: clinical testing. Allele origin: germline. Affected: yes. Observed: 1 variant allele.
Comment: ADD3: BP4, BP7

Blueprint Genetics
Classification: Likely benign. Last evaluated: 2024-09-18. Review status: criteria provided, single submitter. Criteria: ACMG Guidelines, 2015. Collection method: clinical testing. Allele origin: germline.

Labcorp Genetics (formerly Invitae), Labcorp
Classification: Likely benign. Last evaluated: 2023-03-10. Review status: criteria provided, single submitter. Criteria: Invitae Variant Classification Sherloc (09022015). Collection method: clinical testing. Allele origin: germline.

Breakthrough Genomics
Classification: Likely benign. Review status: criteria provided, single submitter. Criteria: ACMG Guidelines, 2015. Collection method: not provided. Allele origin: germline. Inheritance: Autosomal recessive inheritance. Affected: yes.

NM_016824.5(ADD3):c.609T>C (p.Ser203=)

Gene: ADD3 (adducin 3; plus strand). Cytogenetic location: 10q25.2.
Variant type: single nucleotide variant.
Coding change: c.609T>C on transcript NM_016824.5 (MANE Select); coding-DNA position 609, T replaced by C.
Protein change: p.Ser203=; no amino-acid change (serine 203 retained).
Molecular consequence: synonymous variant.
Genome position (GRCh38, 1-based): chr10:110,118,628, T>C. VCF-style: chr10-110118628-T-C. GRCh37 (hg19) VCF-style: chr10-111878386-T-C.
Other names: c.609T>C, p.Ser203= (NM_001121.4, NM_001320591.2, NM_001320592.2 and 2 more transcripts); c.375T>C, p.Ser125= (NM_001320594.2).
Identifiers: ClinVar variation 1546645 (VCV001546645.12), dbSNP rs145283023, ClinGen allele CA5686420.